The following is an entry in ClinVar:

ClinVar aggregate classification (germline): Uncertain significance. Review status: criteria provided, multiple submitters, no conflicts (2 of 4 stars). 3 submissions from 3 submitters: Uncertain significance (3). Last evaluated 2025-09-28.

Conditions:
Inborn genetic diseases. Identifiers: MedGen C0950123, MeSH D030342.
Intellectual disability, autosomal recessive 53 (NEDHSCA). Also called: GLYCOSYLPHOSPHATIDYLINOSITOL BIOSYNTHESIS DEFECT 13; Mental retardation, autosomal recessive 53; NEURODEVELOPMENTAL DISORDER WITH OR WITHOUT HYPOTONIA, SEIZURES, AND CEREBELLAR ATROPHY. Identifiers: Orphanet 488635, MedGen C4310794, MONDO:0014832, OMIM 616917.

Allele frequency attached by ClinVar (database versions not stated): gnomAD 0.00002 and 0.00003; gnomAD exomes 0.00002 and 0.00004; TOPMed 0.00003; ExAC 0.00002.
gnomAD v4.1: 58 of 1,612,926 alleles (0.0036%); highest among the groups gnomAD compares: African/African-American, 0.0067%; no homozygotes.

Submissions (3):

Ambry Genetics
Classification: Uncertain significance for Inborn genetic diseases. Last evaluated: 2025-09-28. Review status: criteria provided, single submitter. Criteria: Ambry Variant Classification Scheme 2023. Collection method: clinical testing. Allele origin: germline.

Labcorp Genetics (formerly Invitae), Labcorp
Classification: Uncertain significance for Intellectual disability, autosomal recessive 53. Last evaluated: 2022-04-10. Review status: criteria provided, single submitter. Criteria: Invitae Variant Classification Sherloc (09022015). Collection method: clinical testing. Allele origin: germline.
Comment: This sequence change replaces alanine, which is neutral and non-polar, with threonine, which is neutral and polar, at codon 924 of the PIGG protein (p.Ala924Thr). This variant is present in population databases (rs771098011, gnomAD 0.003%). This variant has not been reported in the literature in individuals affected with PIGG-related conditions. Algorithms developed to predict the effect of missense changes on protein structure and function are either unavailable or do not agree on the potential impact of this missense change (SIFT: "Tolerated"; PolyPhen-2: "Possibly Damaging"; Align-GVGD: "Class C0"). In summary, the available evidence is currently insufficient to determine the role of this variant in disease. Therefore, it has been classified as a Variant of Uncertain Significance.

Victorian Clinical Genetics Services, Murdoch Childrens Research Institute
Classification: Uncertain significance for Intellectual disability, autosomal recessive 53. Last evaluated: 2019-08-28. Review status: criteria provided, single submitter. Criteria: ACMG Guidelines, 2015. Collection method: clinical testing. Allele origin: germline. Inheritance: Autosomal recessive inheritance. Affected: yes.
Comment: A heterozygous missense variant was identified, NM_001127178.2(PIGG):c.2770G>A in exon 13 of 13 of the PIGG gene. This substitution is predicted to create a minor amino acid change from alanine to threonine at position 924 of the protein, NP_001120650.1(PIGG):p.(Ala924Thr). The alanine at this position has moderate conservation (100 vertebrates, UCSC), but is not situated in a known functional domain. In silico software predicts this variant to be disease causing (Polyphen, SIFT, CADD, Mutation Taster). The variant is present in the gnomAD population database at a frequency of 0.002% (4 heterozygotes, 0 homozygotes). This variant has not been previously reported in clinical cases. Based on information available at the time of curation, this variant has been classified as a VARIANT of UNCERTAIN SIGNIFICANCE (VUS).

NM_001127178.3(PIGG):c.2770G>A (p.Ala924Thr)

Gene: PIGG (phosphatidylinositol glycan anchor biosynthesis class G (EMM blood group); plus strand). Cytogenetic location: 4p16.3.
Variant type: single nucleotide variant.
Coding change: c.2770G>A on transcript NM_001127178.3 (MANE Select); coding-DNA position 2770, G replaced by A.
Protein change: p.Ala924Thr; replaces alanine 924 with threonine.
Molecular consequence: missense variant. On other transcripts: non-coding transcript variant (10).
Genome position (GRCh38, 1-based): chr4:539,187, G>A. VCF-style: chr4-539187-G-A. GRCh37 (hg19) VCF-style: chr4-532976-G-A.
Other names: c.2770G>A (NM_001127178.1); c.2503G>A, p.Ala835Thr (NM_001289051.2, NM_001345986.2); c.2371G>A, p.Ala791Thr (NM_001289052.2); c.2479G>A, p.Ala827Thr (NM_001345987.2); c.1741G>A, p.Ala581Thr (NM_001345988.2); c.1237G>A, p.Ala413Thr (NM_001345990.2, NM_001345991.2); c.1672G>A, p.Ala558Thr (NM_001345994.2); c.2746G>A, p.Ala916Thr (NM_017733.5); short protein forms A413T, A581T, A916T, A924T, A558T, A791T, A827T, A835T.
Identifiers: ClinVar variation 1390377 (VCV001390377.7), dbSNP rs771098011, ClinGen allele CA2793755.
Genomic context (GRCh38, chr4:539,187, plus strand): 5'-ATACACATTTTCTTTCTTATTAACAGTGGTTCAGCACTGAGTCATGCTTGCTTCTGCTAC[G>A]CACTGATTTGTTCTATTCCAGTTTTCACGTACATCGTTTTGGTGACATCTCTGCGTTATC-3'
Protein context (NP_001120650.1, residues 914-934): SALSHACFCY[Ala924Thr]LICSIPVFTY